The following is an entry in ClinVar:

NM_002439.5(MSH3):c.982C>G (p.Arg328Gly)

Genes: MSH3 (mutS homolog 3; plus strand), LOC126807437 (MED14-independent group 3 enhancer GRCh37_chr5:79968379-79969578; plus strand). Cytogenetic location: 5q14.1.
Variant type: single nucleotide variant.
Coding change: c.982C>G on transcript NM_002439.5 (MANE Select); coding-DNA position 982, C replaced by G.
Protein change: p.Arg328Gly; replaces arginine 328 with glycine.
Molecular consequence: missense variant.
Genome position (GRCh38, 1-based): chr5:80,672,813, C>G. VCF-style: chr5-80672813-C-G. GRCh37 (hg19) VCF-style: chr5-79968632-C-G.
Other names: short protein forms R328G.
Identifiers: ClinVar variation 4654302 (VCV004654302.1).

ClinVar aggregate classification (germline): Uncertain significance (1 of 4 stars; one submission).

Conditions:
Hereditary cancer-predisposing syndrome. Also called: Neoplastic Syndromes, Hereditary; Tumor predisposition; Hereditary Cancer Syndrome; Hereditary neoplastic syndrome. Identifiers: Orphanet 140162, MedGen C0027672, MeSH D009386, MONDO:0015356.

Submission:

Ambry Genetics
Classification: Uncertain significance for Hereditary cancer-predisposing syndrome. Last evaluated: 2025-09-28. Review status: criteria provided, single submitter. Criteria: Ambry Variant Classification Scheme 2023. Collection method: clinical testing. Allele origin: germline.
Comment: The p.R328G variant (also known as c.982C>G), located in coding exon 6 of the MSH3 gene, results from a C to G substitution at nucleotide position 982. The arginine at codon 328 is replaced by glycine, an amino acid with dissimilar properties. This amino acid position is conserved. In addition, this alteration is predicted to be deleterious by in silico analysis. Based on the available evidence, the clinical significance of this variant remains unclear.